The following is an entry in ClinVar:

NM_001367949.2(FAT3):c.13359T>C (p.Pro4453=)

Gene: FAT3 (FAT atypical cadherin 3; plus strand). Cytogenetic location: 11q14.3.
Variant type: single nucleotide variant.
Coding change: c.13359T>C on transcript NM_001367949.2 (MANE Select); coding-DNA position 13359, T replaced by C.
Protein change: p.Pro4453=; no amino-acid change (proline 4453 retained).
Molecular consequence: synonymous variant.
Genome position (GRCh38, 1-based): chr11:92,890,702, T>C. VCF-style: chr11-92890702-T-C. GRCh37 (hg19) VCF-style: chr11-92623868-T-C.
Other names: c.13263T>C, p.Pro4421= (NM_001008781.3).
Identifiers: ClinVar variation 2642289 (VCV002642289.24), dbSNP rs559517172, ClinGen allele CA6228771.
Genomic context (GRCh38, chr11:92,890,702, plus strand): 5'-TGACAGTGAATACCCACCCCCTCATGAAGAGGAGTTCTTGAGTCAGGACCAGCTGCCTCC[T>C]CCTCTCCCGGAGGACTTCCCAGACCAATATGAGGCCCTGCCACCCTCCCAGCCTGTCTCC-3'
Protein context (NP_001354878.1, residues 4443-4463): EEFLSQDQLP[Pro4453=]PLPEDFPDQY

ClinVar aggregate classification (germline): Likely benign (1 of 4 stars; one submission).

Allele frequency attached by ClinVar (database versions not stated): gnomAD exomes 0.00003; gnomAD 0.00005; TOPMed 0.00007; ExAC 0.00011; 1000 Genomes Project 30x 0.00031; 1000 Genomes Project 0.00040.
gnomAD v4.1: 57 of 1,613,548 alleles (0.0035%); highest among the groups gnomAD compares: East Asian, 0.12%; no homozygotes.

Submission:

CeGaT Center for Human Genetics Tuebingen
Classification: Likely benign. Last evaluated: 2022-08-01. Review status: criteria provided, single submitter. Criteria: CeGaT Center For Human Genetics Tuebingen Variant Classification Criteria Version 2. Collection method: clinical testing. Allele origin: germline. Affected: yes. Observed: 1 variant allele.
Comment: FAT3: BP4, BP7